The following is an entry in ClinVar:

NM_001540.5(HSPB1):c.538A>C (p.Thr180Pro)

Gene: HSPB1 (heat shock protein family B (small) member 1; plus strand). Cytogenetic location: 7q11.23.
Variant type: single nucleotide variant.
Coding change: c.538A>C on transcript NM_001540.5 (MANE Select); coding-DNA position 538, A replaced by C.
Protein change: p.Thr180Pro; replaces threonine 180 with proline.
Molecular consequence: missense variant.
Genome position (GRCh38, 1-based): chr7:76,304,093, A>C. VCF-style: chr7-76304093-A-C. GRCh37 (hg19) VCF-style: chr7-75933410-A-C.
Other names: short protein forms T180P.
Identifiers: ClinVar variation 854653 (VCV000854653.9), dbSNP rs1803071312, ClinGen allele CA367766312.

ClinVar aggregate classification (germline): Uncertain significance (1 of 4 stars; one submission).

Conditions:
Charcot-Marie-Tooth disease axonal type 2F (CMT2F). Also called: CHARCOT-MARIE-TOOTH DISEASE, NEURONAL, TYPE 2F; Charcot-Marie-Tooth Neuropathy Type 2F. Identifiers: Orphanet 99940, MedGen C1847823, MONDO:0011687, OMIM 606595.

Submission:

Labcorp Genetics (formerly Invitae), Labcorp
Classification: Uncertain significance for Charcot-Marie-Tooth disease axonal type 2F. Last evaluated: 2019-02-04. Review status: criteria provided, single submitter. Criteria: Invitae Variant Classification Sherloc (09022015). Collection method: clinical testing. Allele origin: germline.
Comment: This sequence change replaces threonine with proline at codon 180 of the HSPB1 protein (p.Thr180Pro). The threonine residue is moderately conserved and there is a small physicochemical difference between threonine and proline. This variant is not present in population databases (ExAC no frequency). This variant has not been reported in the literature in individuals with HSPB1-related conditions. Algorithms developed to predict the effect of missense changes on protein structure and function are either unavailable or do not agree on the potential impact of this missense change (SIFT: "Deleterious"; PolyPhen-2: "Probably Damaging"; Align-GVGD: "Class C0"). This variant disrupts the p.Thr180 amino acid residue in HSPB1. Other variant(s) that disrupt this residue have been observed in individuals with HSPB1-related conditions (PMID: 20870250, 22176143, 26989944, 27862672, 28144995), suggesting that it is a clinically significant residue. As a result, variants that disrupt this residue are likely to be causative of disease. In summary, the available evidence is currently insufficient to determine the role of this variant in disease. Therefore, it has been classified as a Variant of Uncertain Significance.

Literature cited by the submitters: PubMed 20870250; PubMed 22176143; PubMed 26989944; PubMed 27862672; PubMed 28144995.